The following is an entry in ClinVar:

ClinVar aggregate classification (germline): Uncertain significance (1 of 4 stars; one submission).

Conditions:
Epidermolysis bullosa simplex 5B, with muscular dystrophy (EBS5B). Also called: EPIDERMOLYSIS BULLOSA SIMPLEX AND LIMB-GIRDLE MUSCULAR DYSTROPHY; Epidermolysis bullosa simplex with muscular dystrophy. Identifiers: Orphanet 257, MedGen C2931072, MONDO:0009181, OMIM 226670.
Autosomal recessive limb-girdle muscular dystrophy type 2Q (LGMDR17). Also called: MUSCULAR DYSTROPHY, LIMB-GIRDLE, AUTOSOMAL RECESSIVE 17. Identifiers: Orphanet 254361, MedGen C3150989, MONDO:0013390, OMIM 613723.
Epidermolysis bullosa simplex, Ogna type (EBS5A). Also called: Pidermolysis bullosa simplex 5A, Ogna type; EPIDERMOLYSIS BULLOSA SIMPLEX 5A, OGNA TYPE. Identifiers: Orphanet 79401, MedGen C0432317, MONDO:0007555, OMIM 131950.
Epidermolysis bullosa simplex 5C, with pyloric atresia (EBS5C). Also called: PLEC-Related Epidermolysis Bullosa with Pyloric Atresia; Epidermolysis bullosa simplex with pyloric atresia; PLEC1-Related Epidermolysis Bullosa with Pyloric Atresia. Identifiers: Orphanet 158684, MedGen C2677349, MONDO:0012807, OMIM 612138.
Epidermolysis bullosa simplex with nail dystrophy (EBS5D). Identifiers: MedGen C4225309, MONDO:0014661, OMIM 616487.

gnomAD v4.1: 13 of 1,591,112 alleles (0.00082%); highest among the groups gnomAD compares: Non-Finnish European, 0.001%; no homozygotes.

Submission:

Labcorp Genetics (formerly Invitae), Labcorp
Classification: Uncertain significance for Autosomal recessive limb-girdle muscular dystrophy type 2Q; Epidermolysis bullosa simplex, Ogna type; Epidermolysis bullosa simplex with nail dystrophy; Epidermolysis bullosa simplex 5C, with pyloric atresia; Epidermolysis bullosa simplex 5B, with muscular dystrophy. Last evaluated: 2023-07-31. Review status: criteria provided, single submitter. Criteria: Invitae Variant Classification Sherloc (09022015). Collection method: clinical testing. Allele origin: germline.
Comment: This sequence change replaces arginine, which is basic and polar, with leucine, which is neutral and non-polar, at codon 1415 of the PLEC protein (p.Arg1415Leu). The frequency data for this variant in the population databases is considered unreliable, as metrics indicate poor data quality at this position in the gnomAD database. This variant has not been reported in the literature in individuals affected with PLEC-related conditions. ClinVar contains an entry for this variant (Variation ID: 2180721). Algorithms developed to predict the effect of missense changes on protein structure and function output the following: SIFT: "Not Available"; PolyPhen-2: "Not Available"; Align-GVGD: "Not Available". The leucine amino acid residue is found in multiple mammalian species, which suggests that this missense change does not adversely affect protein function. In summary, the available evidence is currently insufficient to determine the role of this variant in disease. Therefore, it has been classified as a Variant of Uncertain Significance.

NM_201384.3(PLEC):c.4163G>T (p.Arg1388Leu)

Gene: PLEC (plectin; minus strand). Cytogenetic location: 8q24.3.
Variant type: single nucleotide variant.
Coding change: c.4163G>T on transcript NM_201384.3 (MANE Select); coding-DNA position 4163, G replaced by T.
Protein change: p.Arg1388Leu; replaces arginine 1388 with leucine.
Molecular consequence: missense variant.
Genome position (GRCh38, 1-based): chr8:143,925,766, C>A on the plus strand (G>T on the coding strand, the complement: PLEC is on the minus strand). VCF-style: chr8-143925766-C-A. GRCh37 (hg19) VCF-style: chr8-144999934-C-A.
Other names: c.4244G>T, p.Arg1415Leu (NM_000445.5); c.4121G>T, p.Arg1374Leu (NM_201378.4); c.4097G>T, p.Arg1366Leu (NM_201379.3); c.4574G>T, p.Arg1525Leu (NM_201380.4); c.4067G>T, p.Arg1356Leu (NM_201381.3); c.4163G>T, p.Arg1388Leu (NM_201382.4); c.4175G>T, p.Arg1392Leu (NM_201383.3); short protein forms R1374L, R1388L, R1366L, R1415L, R1356L, R1392L, R1525L.
Identifiers: ClinVar variation 2180721 (VCV002180721.4), dbSNP rs782497322, ClinGen allele CA372560853.